The following is an entry in ClinVar:

ClinVar aggregate classification (germline): Uncertain significance. Review status: criteria provided, multiple submitters, no conflicts (2 of 4 stars). 3 submissions from 3 submitters: Uncertain significance (3). Last evaluated 2025-07-14.

Conditions:
Hereditary cancer-predisposing syndrome. Also called: Tumor predisposition; Hereditary neoplastic syndrome; Hereditary Cancer Syndrome; Neoplastic Syndromes, Hereditary. Identifiers: Orphanet 140162, MedGen C0027672, MeSH D009386, MONDO:0015356.
Familial adenomatous polyposis 1 (FAP1). Also called: POLYPOSIS, ADENOMATOUS INTESTINAL; FAMILIAL ADENOMATOUS POLYPOSIS 1, ATTENUATED. Identifiers: MedGen C2713442, MONDO:0021056, OMIM 175100. Disease mechanism: loss of function.

Submissions (3):

Color Diagnostics, LLC DBA Color Health
Classification: Uncertain significance for Hereditary cancer-predisposing syndrome. Last evaluated: 2025-07-14. Review status: criteria provided, single submitter. Criteria: ACMG Guidelines, 2015. Collection method: clinical testing. Allele origin: germline.
Comment: This missense variant replaces arginine with glycine at codon 197 of the APC protein. Computational prediction suggests that this variant may have deleterious impact on protein structure and function. To our knowledge, functional studies have not been reported for this variant. This variant has not been reported in individuals affected with APC-related disorders in the literature. This variant has not been identified in the general population by the Genome Aggregation Database (gnomAD). The available evidence is insufficient to determine the role of this variant in disease conclusively. Therefore, this variant is classified as a Variant of Uncertain Significance.

Ambry Genetics
Classification: Uncertain significance for Hereditary cancer-predisposing syndrome. Last evaluated: 2025-05-29. Review status: criteria provided, single submitter. Criteria: Ambry Variant Classification Scheme 2023. Collection method: clinical testing. Allele origin: germline.
Comment: The p.R197G variant (also known as c.589A>G), located in coding exon 5 of the APC gene, results from an A to G substitution at nucleotide position 589. The arginine at codon 197 is replaced by glycine, an amino acid with dissimilar properties. This amino acid position is conserved. In addition, in silico predictors for this gene do not accurately predict pathogenicity. Based on the available evidence, the clinical significance of this variant remains unclear.

Labcorp Genetics (formerly Invitae), Labcorp
Classification: Uncertain significance for Familial adenomatous polyposis 1. Last evaluated: 2018-05-22. Review status: criteria provided, single submitter. Criteria: Invitae Variant Classification Sherloc (09022015). Collection method: clinical testing. Allele origin: germline.
Comment: Algorithms developed to predict the effect of missense changes on protein structure and function are either unavailable or do not agree on the potential impact of this missense change (SIFT: "Tolerated"; PolyPhen-2: "Probably Damaging"; Align-GVGD: "Class C15"). This sequence change replaces arginine with glycine at codon 197 of the APC protein (p.Arg197Gly). The arginine residue is highly conserved and there is a moderate physicochemical difference between arginine and glycine. This variant is not present in population databases (ExAC no frequency). This variant has not been reported in the literature in individuals with APC-related disease. In summary, the available evidence is currently insufficient to determine the role of this variant in disease. Therefore, it has been classified as a Variant of Uncertain Significance.

NM_000038.6(APC):c.589A>G (p.Arg197Gly)

Gene: APC (APC regulator of Wnt signaling pathway; plus strand). Cytogenetic location: 5q22.2.
Variant type: single nucleotide variant.
Coding change: c.589A>G on transcript NM_000038.6 (MANE Select); coding-DNA position 589, A replaced by G.
Protein change: p.Arg197Gly; replaces arginine 197 with glycine.
Molecular consequence: missense variant. On other transcripts: 5 prime UTR variant (1).
Genome position (GRCh38, 1-based): chr5:112,780,847, A>G. VCF-style: chr5-112780847-A-G. GRCh37 (hg19) VCF-style: chr5-112116544-A-G.
Other names: c.589A>G, p.Arg197Gly (NM_001127510.3, NM_001354895.2, NM_001354896.2 and 2 more transcripts); c.619A>G, p.Arg207Gly (NM_001127511.3, NM_001354897.2, NM_001354902.2); c.514A>G, p.Arg172Gly (NM_001354898.2, NM_001354904.2); c.412A>G, p.Arg138Gly (NM_001354900.2, NM_001354901.2, NM_001354905.2); c.-447A>G (NM_001354906.2); short protein forms R207G, R197G, R172G, R138G.
Identifiers: ClinVar variation 575866 (VCV000575866.12), dbSNP rs1561485645, ClinGen allele CA16022623.